The following is an entry in ClinVar:

ClinVar aggregate classification (germline): Uncertain significance (1 of 4 stars; one submission).

Submission:

GeneDx
Classification: Uncertain significance. Last evaluated: 2024-11-19. Review status: criteria provided, single submitter. Criteria: GeneDx Variant Classification Process June 2021. Collection method: clinical testing. Allele origin: germline. Affected: yes.
Comment: Not observed at significant frequency in large population cohorts (gnomAD); In silico analysis supports that this missense variant has a deleterious effect on protein structure/function; Has not been previously published as pathogenic or benign to our knowledge

NM_007118.4(TRIO):c.815T>G (p.Ile272Ser)

Gene: TRIO (trio Rho guanine nucleotide exchange factor; plus strand). Cytogenetic location: 5p15.2.
Variant type: single nucleotide variant.
Coding change: c.815T>G on transcript NM_007118.4 (MANE Select); coding-DNA position 815, T replaced by G.
Protein change: p.Ile272Ser; replaces isoleucine 272 with serine.
Molecular consequence: missense variant. On other transcripts: non-coding transcript variant (1).
Genome position (GRCh38, 1-based): chr5:14,290,990, T>G. VCF-style: chr5-14290990-T-G. GRCh37 (hg19) VCF-style: chr5-14291099-T-G.
Other names: short protein forms I272S.
Identifiers: ClinVar variation 3899415 (VCV003899415.1).
Genomic context (GRCh38, chr5:14,290,990, plus strand): 5'-GGGCTCGGAATATGATCGAGGAACATTCTCAGCTGAAGAAGAAGGTGATTAAGGCCCCCA[T>G]CGAGGACCTGGATTTGGAGGGACAGAAGCTGCTTCAGAGGATACAGAGCAGTGAAAGCTT-3'
Protein context (NP_009049.2, residues 262-282): QLKKKVIKAP[Ile272Ser]EDLDLEGQKL